The following is an entry in ClinVar:

NM_024675.4(PALB2):c.1248del (p.Met416fs)

Gene: PALB2 (partner and localizer of BRCA2; minus strand). Cytogenetic location: 16p12.2.
Variant type: Deletion.
Coding change: c.1248del on transcript NM_024675.4 (MANE Select); coding-DNA position 1248, one base deleted (G; older notation c.1248delG).
Protein change: p.Met416fs; shifts the reading frame from methionine 416.
Molecular consequence: frameshift variant.
Genome position (GRCh38, 1-based): chr16:23,635,298, C deleted on the plus strand (G on the coding strand, the reverse complement: PALB2 is on the minus strand). VCF-style (leftmost placement, unchanged base first): chr16-23635297-AC-A. GRCh37 (hg19) VCF-style: chr16-23646618-AC-A.
Other names: c.1248delG (NM_024675.3); short protein forms M416fs.
Identifiers: ClinVar variation 958621 (VCV000958621.11), dbSNP rs1966981959, ClinGen allele CA1139664617.

ClinVar aggregate classification (germline): Pathogenic. Review status: criteria provided, multiple submitters, no conflicts (2 of 4 stars). 2 submissions from 2 submitters: Pathogenic (2). Last evaluated 2021-04-16.

Conditions:
Hereditary cancer-predisposing syndrome. Also called: Tumor predisposition; Hereditary neoplastic syndrome; Neoplastic Syndromes, Hereditary; Hereditary Cancer Syndrome. Identifiers: Orphanet 140162, MedGen C0027672, MeSH D009386, MONDO:0015356.
Familial cancer of breast. Also called: BREAST CANCER, FAMILIAL; Hereditary breast cancer; hereditary breast carcinoma. Identifiers: Orphanet 227535, MedGen C0346153, MONDO:0016419, OMIM 114480. Disease mechanism: loss of function.

Submissions (2):

Ambry Genetics
Classification: Pathogenic for Hereditary cancer-predisposing syndrome. Last evaluated: 2021-04-16. Review status: criteria provided, single submitter. Criteria: Ambry Variant Classification Scheme 2023. Collection method: clinical testing. Allele origin: germline.
Comment: The c.1248delG pathogenic mutation, located in coding exon 4 of the PALB2 gene, results from a deletion of one nucleotide at nucleotide position 1248, causing a translational frameshift with a predicted alternate stop codon (p.M416Ifs*8). This alteration is expected to result in loss of function by premature protein truncation or nonsense-mediated mRNA decay. As such, this alteration is interpreted as a disease-causing mutation.

Labcorp Genetics (formerly Invitae), Labcorp
Classification: Pathogenic for Familial cancer of breast. Last evaluated: 2020-02-02. Review status: criteria provided, single submitter. Criteria: Invitae Variant Classification Sherloc (09022015). Collection method: clinical testing. Allele origin: germline.
Comment: For these reasons, this variant has been classified as Pathogenic. Loss-of-function variants in PALB2 are known to be pathogenic (PMID: 17200668, 24136930, 25099575). This variant has not been reported in the literature in individuals with PALB2-related conditions. This variant is not present in population databases (ExAC no frequency). This sequence change creates a premature translational stop signal (p.Met416Ilefs*8) in the PALB2 gene. It is expected to result in an absent or disrupted protein product.

Literature cited by the submitters: PubMed 17200668 (cited by Labcorp Genetics (formerly Invitae), Labcorp); PubMed 24136930 (cited by Labcorp Genetics (formerly Invitae), Labcorp); PubMed 25099575 (cited by Labcorp Genetics (formerly Invitae), Labcorp).